The following is an entry in ClinVar:

ClinVar aggregate classification (germline): Uncertain significance (1 of 4 stars; one submission).

Conditions:
Muscular dystrophy-dystroglycanopathy (congenital with brain and eye anomalies), type a, 11 (MDDGA11). Also called: Muscular dystrophy-dystroglycanopathy (congenital with brain and eye anomalies, type A, 11; WALKER-WARBURG SYNDROME OR MUSCLE-EYE-BRAIN DISEASE, B3GALNT2-RELATED; Congenital muscular dystrophy-dystroglycanopathy with brain and eye anomalies, type A11. Identifiers: Orphanet 588, Orphanet 899, MedGen C3554638, MONDO:0014071, OMIM 615181.

Submission:

Labcorp Genetics (formerly Invitae), Labcorp
Classification: Uncertain significance for Muscular dystrophy-dystroglycanopathy (congenital with brain and eye anomalies), type a, 11. Last evaluated: 2021-08-27. Review status: criteria provided, single submitter. Criteria: Invitae Variant Classification Sherloc (09022015). Collection method: clinical testing. Allele origin: germline.
Comment: This sequence change replaces threonine with asparagine at codon 435 of the B3GALNT2 protein (p.Thr435Asn). The threonine residue is moderately conserved and there is a small physicochemical difference between threonine and asparagine. This variant is not present in population databases (ExAC no frequency). This variant has not been reported in the literature in individuals affected with B3GALNT2-related conditions. Algorithms developed to predict the effect of missense changes on protein structure and function are either unavailable or do not agree on the potential impact of this missense change (SIFT: "Tolerated"; PolyPhen-2: "Possibly Damaging"; Align-GVGD: "Class C0"). In summary, the available evidence is currently insufficient to determine the role of this variant in disease. Therefore, it has been classified as a Variant of Uncertain Significance.

NM_152490.5(B3GALNT2):c.1304C>A (p.Thr435Asn)

Gene: B3GALNT2 (beta-1,3-N-acetylgalactosaminyltransferase 2; minus strand). Cytogenetic location: 1q42.3.
Variant type: single nucleotide variant.
Coding change: c.1304C>A on transcript NM_152490.5 (MANE Select); coding-DNA position 1304, C replaced by A.
Protein change: p.Thr435Asn; replaces threonine 435 with asparagine.
Molecular consequence: missense variant.
Genome position (GRCh38, 1-based): chr1:235,454,163, G>T on the plus strand (C>A on the coding strand, the complement: B3GALNT2 is on the minus strand). VCF-style: chr1-235454163-G-T. GRCh37 (hg19) VCF-style: chr1-235617475-G-T.
Other names: short protein forms T435N.
Identifiers: ClinVar variation 1010537 (VCV001010537.2), dbSNP rs1683057478, ClinGen allele CA344956627.